The following is an entry in ClinVar:

NM_020765.3(UBR4):c.6999C>T (p.Pro2333=)

Gene: UBR4 (ubiquitin protein ligase E3 component n-recognin 4; minus strand). Cytogenetic location: 1p36.13.
Variant type: single nucleotide variant.
Coding change: c.6999C>T on transcript NM_020765.3 (MANE Select); coding-DNA position 6999, C replaced by T.
Protein change: p.Pro2333=; no amino-acid change (proline 2333 retained).
Molecular consequence: synonymous variant.
Genome position (GRCh38, 1-based): chr1:19,151,857, G>A on the plus strand (C>T on the coding strand, the complement: UBR4 is on the minus strand). VCF-style: chr1-19151857-G-A. GRCh37 (hg19) VCF-style: chr1-19478351-G-A.
Identifiers: ClinVar variation 729789 (VCV000729789.6), dbSNP rs144919897, ClinGen allele CA650174.

ClinVar aggregate classification (germline): Benign. Review status: criteria provided, multiple submitters, no conflicts (2 of 4 stars). 3 submissions from 3 submitters: Benign (2). 1 of the submissions does not count toward it. Last evaluated 2018-04-16.

Conditions:
UBR4-related disorder. Also called: UBR4-related condition.

Allele frequency attached by ClinVar (database versions not stated): gnomAD exomes 0.00036 and 0.00099; ExAC 0.00124; gnomAD 0.00325 and 0.00342; TOPMed 0.00339; ESP Exome Variant Server 0.00369; 1000 Genomes Project 0.00419; 1000 Genomes Project 30x 0.00468.
gnomAD v4.1: 1,024 of 1,582,620 alleles (0.065%); highest among the groups gnomAD compares: African/African-American, 1.2%; 4 homozygotes.

Submissions (3):

Labcorp Genetics (formerly Invitae), Labcorp
Classification: Benign. Last evaluated: 2018-04-16. Review status: criteria provided, single submitter. Criteria: Invitae Variant Classification Sherloc (09022015). Collection method: clinical testing. Allele origin: germline.

Breakthrough Genomics
Classification: Benign. Review status: criteria provided, single submitter. Criteria: ACMG Guidelines, 2015. Collection method: not provided. Allele origin: germline. Inheritance: Unknown mechanism. Affected: yes.

PreventionGenetics, part of Exact Sciences
Classification: Benign for UBR4-related condition. Last evaluated: 2019-10-28. Review status: no assertion criteria provided. Collection method: clinical testing. Allele origin: germline. Not counted in ClinVar's aggregate classification.
Comment: This variant is classified as benign based on ACMG/AMP sequence variant interpretation guidelines (Richards et al. 2015 PMID: 25741868, with internal and published modifications).